The following is an entry in ClinVar:

NM_206933.4(USH2A):c.2087G>T (p.Cys696Phe)

Gene: USH2A (usherin; minus strand). Cytogenetic location: 1q41.
Variant type: single nucleotide variant.
Coding change: c.2087G>T on transcript NM_206933.4 (MANE Select); coding-DNA position 2087, G replaced by T.
Protein change: p.Cys696Phe; replaces cysteine 696 with phenylalanine.
Molecular consequence: missense variant.
Genome position (GRCh38, 1-based): chr1:216,250,983, C>A on the plus strand (G>T on the coding strand, the complement: USH2A is on the minus strand). VCF-style: chr1-216250983-C-A. GRCh37 (hg19) VCF-style: chr1-216424325-C-A.
Other names: c.2087G>T, p.Cys696Phe (NM_007123.6); short protein forms C696F.
Identifiers: ClinVar variation 865965 (VCV000865965.12), dbSNP rs1352007983, ClinGen allele CA344866349.
Genomic context (GRCh38, chr1:216,250,983, plus strand): 5'-TTGCACTGGCCTGAATTTTGGTGACAGGTAATATCTCCATCCACTGTCCCAGAGGTATTG[C>A]AGTTACAGGGACTGCAGCCATCAGGATCCAACTCTTGTAGATTGTAGAATCCATTCTGGC-3'
Protein context (NP_996816.3, residues 686-706): LDPDGCSPCN[Cys696Phe]NTSGTVDGDI

ClinVar aggregate classification (germline): Conflicting classifications of pathogenicity. Review status: criteria provided, conflicting classifications (1 of 4 stars). 6 submissions from 5 submitters: Likely pathogenic (2); Uncertain significance (4). Last evaluated 2025-07-31.

Conditions:
USH2A-related disorder. Also called: USH2A-related condition; USH2A-related disorders. Identifiers: MedGen CN239332.
Retinitis pigmentosa 39 (RP39). Identifiers: Orphanet 791, MedGen C3151138, MONDO:0013436, OMIM 613809.
Usher syndrome type 2A. Also called: RETINAL DISEASE IN USHER SYNDROME TYPE IIA, MODIFIER OF; USHER SYNDROME, TYPE IIA. Identifiers: Orphanet 231178, Orphanet 886, MedGen C1848634, MONDO:0010169, OMIM 276901.

Allele frequency attached by ClinVar (database versions not stated): TOPMed below 0.00001.

Submissions (6):

Women's Health and Genetics/Laboratory Corporation of America, LabCorp
Classification: Uncertain significance. Last evaluated: 2025-07-31. Review status: criteria provided, single submitter. Criteria: LabCorp Variant Classification Summary - May 2015. Collection method: clinical testing. Allele origin: germline.
Comment: Variant summary: USH2A c.2087G>T (p.Cys696Phe) results in a non-conservative amino acid change located in the Laminin-type EGF domain of the encoded protein sequence. Algorithms developed to predict the effect of missense changes on protein structure and function all suggest that this variant is likely to be disruptive. The variant was absent in 250896 control chromosomes. The available data on variant occurrences in the general population are insufficient to allow any conclusion about variant significance. To our knowledge, no occurrence of c.2087G>T in individuals affected with Usher Syndrome and no experimental evidence demonstrating its impact on protein function have been reported. ClinVar contains an entry for this variant (Variation ID: 865965). Based on the evidence outlined above, the variant was classified as uncertain significance.

GeneDx
Classification: Uncertain significance. Last evaluated: 2025-06-03. Review status: criteria provided, single submitter. Criteria: GeneDx Variant Classification Process June 2021. Collection method: clinical testing. Allele origin: germline. Affected: yes.
Comment: Not observed at significant frequency in large population cohorts (gnomAD); In silico analysis supports that this missense variant has a deleterious effect on protein structure/function; Has not been previously published as pathogenic or benign to our knowledge

Genome-Nilou Lab
Classification: Uncertain significance for Retinitis pigmentosa 39. Last evaluated: 2023-11-04. Review status: criteria provided, single submitter. Criteria: ACMG Guidelines, 2015. Collection method: clinical testing. Allele origin: germline. Affected: no.

Genome-Nilou Lab
Classification: Uncertain significance for Usher syndrome type 2A. Last evaluated: 2023-11-04. Review status: criteria provided, single submitter. Criteria: ACMG Guidelines, 2015. Collection method: clinical testing. Allele origin: germline. Affected: no.

Labcorp Genetics (formerly Invitae), Labcorp
Classification: Likely pathogenic. Last evaluated: 2023-07-21. Review status: criteria provided, single submitter. Criteria: Invitae Variant Classification Sherloc (09022015). Collection method: clinical testing. Allele origin: germline.
Comment: This sequence change replaces cysteine, which is neutral and slightly polar, with phenylalanine, which is neutral and non-polar, at codon 696 of the USH2A protein (p.Cys696Phe). This variant is not present in population databases (gnomAD no frequency). This variant has not been reported in the literature in individuals affected with USH2A-related conditions. ClinVar contains an entry for this variant (Variation ID: 865965). Advanced modeling of protein sequence and biophysical properties (such as structural, functional, and spatial information, amino acid conservation, physicochemical variation, residue mobility, and thermodynamic stability) performed at Invitae indicates that this missense variant is expected to disrupt USH2A protein function. This variant disrupts the p.Cys696 amino acid residue in USH2A. Other variant(s) that disrupt this residue have been determined to be pathogenic (PMID: 27460420, 32675063). This suggests that this residue is clinically significant, and that variants that disrupt this residue are likely to be disease-causing. In summary, the currently available evidence indicates that the variant is pathogenic, but additional data are needed to prove that conclusively. Therefore, this variant has been classified as Likely Pathogenic.

Blueprint Genetics
Classification: Likely pathogenic for USH2A-related disorders. Last evaluated: 2019-07-09. Review status: criteria provided, single submitter. Criteria: ACMG Guidelines, 2015. Collection method: clinical testing. Allele origin: germline. Affected: yes. Observed: 2 variant alleles.

Literature cited by the submitters: PubMed 27460420 (cited by Labcorp Genetics (formerly Invitae), Labcorp); PubMed 32675063 (cited by Labcorp Genetics (formerly Invitae), Labcorp).